The following is an entry in ClinVar:

ClinVar aggregate classification (germline): Uncertain significance (1 of 4 stars; one submission).

Conditions:
Hereditary cancer-predisposing syndrome. Also called: Tumor predisposition; Hereditary Cancer Syndrome; Neoplastic Syndromes, Hereditary; Hereditary neoplastic syndrome. Identifiers: Orphanet 140162, MedGen C0027672, MeSH D009386, MONDO:0015356.

Submission:

Ambry Genetics
Classification: Uncertain significance for Hereditary cancer-predisposing syndrome. Last evaluated: 2022-06-16. Review status: criteria provided, single submitter. Criteria: Ambry Variant Classification Scheme 2023. Collection method: clinical testing. Allele origin: germline.
Comment: The p.T895K variant (also known as c.2684C>A), located in coding exon 4 of the MSH6 gene, results from a C to A substitution at nucleotide position 2684. The threonine at codon 895 is replaced by lysine, an amino acid with similar properties. This amino acid position is conserved. In addition, the in silico prediction for this alteration is inconclusive. Since supporting evidence is limited at this time, the clinical significance of this alteration remains unclear.

NM_000179.3(MSH6):c.2684C>A (p.Thr895Lys)

Gene: MSH6 (mutS homolog 6; plus strand). Cytogenetic location: 2p16.3.
Variant type: single nucleotide variant.
Coding change: c.2684C>A on transcript NM_000179.3 (MANE Select); coding-DNA position 2684, C replaced by A.
Protein change: p.Thr895Lys; replaces threonine 895 with lysine.
Molecular consequence: missense variant.
Genome position (GRCh38, 1-based): chr2:47,800,667, C>A. VCF-style: chr2-47800667-C-A. GRCh37 (hg19) VCF-style: chr2-48027806-C-A.
Other names: c.2294C>A, p.Thr765Lys (NM_001281492.2); c.1778C>A, p.Thr593Lys (NM_001281493.2, NM_001281494.2, NM_001406811.1 and 6 more transcripts); c.2780C>A, p.Thr927Lys (NM_001406795.1, NM_001406802.1); c.2684C>A, p.Thr895Lys (NM_001406796.1, NM_001406798.1, NM_001406800.1 and 2 more transcripts); c.2387C>A, p.Thr796Lys (NM_001406797.1, NM_001406801.1, NM_001406805.1 and 10 more transcripts); c.2159C>A, p.Thr720Lys (NM_001406799.1, NM_001406806.1, NM_001406807.1); c.2606C>A, p.Thr869Lys (NM_001406804.1); c.2690C>A, p.Thr897Lys (NM_001406813.1); and 2 more; short protein forms T593K, T765K, T897K, T210K, T839K, T869K, T927K, T796K.
Identifiers: ClinVar variation 1794704 (VCV001794704.2), dbSNP rs780081278, ClinGen allele CA346755287.
Genomic context (GRCh38, chr2:47,800,667, plus strand): 5'-TGGAAGAAGTTGCTGATGGTTTTAAGTCTAAAATCCTTAAGCAGGTCATCTCTCTGCAGA[C>A]AAAAAATCCTGAAGGTCGTTTTCCTGATTTGACTGTAGAATTGAACCGATGGGATACAGC-3'
Protein context (NP_000170.1, residues 885-905): KILKQVISLQ[Thr895Lys]KNPEGRFPDL